The following is an entry in ClinVar:

NM_000064.4(C3):c.3542T>C (p.Met1181Thr)

Gene: C3 (complement C3; minus strand). Cytogenetic location: 19p13.3.
Variant type: single nucleotide variant.
Coding change: c.3542T>C on transcript NM_000064.4 (MANE Select); coding-DNA position 3542, T replaced by C.
Protein change: p.Met1181Thr; replaces methionine 1181 with threonine.
Molecular consequence: missense variant.
Genome position (GRCh38, 1-based): chr19:6,686,850, A>G on the plus strand (T>C on the coding strand, the complement: C3 is on the minus strand). VCF-style: chr19-6686850-A-G. GRCh37 (hg19) VCF-style: chr19-6686861-A-G.
Other names: short protein forms M1181T.
Identifiers: ClinVar variation 3656852 (VCV003656852.2).

ClinVar aggregate classification (germline): Uncertain significance (1 of 4 stars; one submission).

Submission:

Labcorp Genetics (formerly Invitae), Labcorp
Classification: Uncertain significance. Last evaluated: 2024-06-17. Review status: criteria provided, single submitter. Criteria: Invitae Variant Classification Sherloc (09022015). Collection method: clinical testing. Allele origin: germline.
Comment: This sequence change replaces methionine, which is neutral and non-polar, with threonine, which is neutral and polar, at codon 1181 of the C3 protein (p.Met1181Thr). This variant is not present in population databases (gnomAD no frequency). This variant has not been reported in the literature in individuals affected with C3-related conditions. Advanced modeling of protein sequence and biophysical properties (such as structural, functional, and spatial information, amino acid conservation, physicochemical variation, residue mobility, and thermodynamic stability) performed at Invitae indicates that this missense variant is not expected to disrupt C3 protein function with a negative predictive value of 80%. In summary, the available evidence is currently insufficient to determine the role of this variant in disease. Therefore, it has been classified as a Variant of Uncertain Significance.